The following is an entry in ClinVar:

NM_203290.4(POLR1C):c.1031A>G (p.Gln344Arg)

Gene: POLR1C (RNA polymerase I and III subunit C; plus strand). Cytogenetic location: 6p21.1.
Variant type: single nucleotide variant.
Coding change: c.1031A>G on transcript NM_203290.4 (MANE Select); coding-DNA position 1031, A replaced by G.
Protein change: p.Gln344Arg; replaces glutamine 344 with arginine.
Molecular consequence: missense variant. On other transcripts: intron variant (2).
Genome position (GRCh38, 1-based): chr6:43,521,290, A>G. VCF-style: chr6-43521290-A-G. GRCh37 (hg19) VCF-style: chr6-43489028-A-G.
Other names: c.922+242A>G (NM_001318876.2, NM_001363658.2); short protein forms Q344R.
Identifiers: ClinVar variation 1523511 (VCV001523511.8), dbSNP rs1230537624, ClinGen allele CA364285746.

ClinVar aggregate classification (germline): Uncertain significance (1 of 4 stars; one submission).

Allele frequency attached by ClinVar (database versions not stated): gnomAD exomes below 0.00001; TOPMed below 0.00001; gnomAD 0.00001.
gnomAD v4.1: 6 of 1,612,222 alleles (0.00037%); highest among the groups gnomAD compares: Non-Finnish European, 0.00042%; no homozygotes.

Submission:

Labcorp Genetics (formerly Invitae), Labcorp
Classification: Uncertain significance. Last evaluated: 2022-02-10. Review status: criteria provided, single submitter. Criteria: Invitae Variant Classification Sherloc (09022015). Collection method: clinical testing. Allele origin: germline.
Comment: In summary, the available evidence is currently insufficient to determine the role of this variant in disease. Therefore, it has been classified as a Variant of Uncertain Significance. Algorithms developed to predict the effect of missense changes on protein structure and function are either unavailable or do not agree on the potential impact of this missense change (SIFT: "Not Available"; PolyPhen-2: "Benign"; Align-GVGD: "Not Available"). This variant has not been reported in the literature in individuals affected with POLR1C-related conditions. This variant is present in population databases (no rsID available, gnomAD 0.0009%). This sequence change replaces glutamine with arginine at codon 344 of the POLR1C protein (p.Gln344Arg). The glutamine residue is weakly conserved and there is a small physicochemical difference between glutamine and arginine.